The following is an entry in ClinVar:

ClinVar aggregate classification (germline): Pathogenic (1 of 4 stars; one submission).

Conditions:
Hereditary spastic paraplegia 3A (SPG3A). Also called: SPASTIC PARAPLEGIA 3, AUTOSOMAL DOMINANT; FAMILIAL SPASTIC PARAPLEGIA, AUTOSOMAL DOMINANT, 1; SPG3; STRUMPELL DISEASE; Spastic Paraplegia 3A; Spastic paraplegia 3A, autosomal dominant. Identifiers: Orphanet 100984, MedGen C2931355, MONDO:0008437, OMIM 182600.

Allele frequency attached by ClinVar (database versions not stated): gnomAD exomes below 0.00001.
gnomAD v4.1: 1 of 1,604,078 alleles (0.000062%); highest among the groups gnomAD compares: Non-Finnish European, 0.000085%; no homozygotes.

Submission:

Labcorp Genetics (formerly Invitae), Labcorp
Classification: Pathogenic for Hereditary spastic paraplegia 3A. Last evaluated: 2024-04-29. Review status: criteria provided, single submitter. Criteria: Invitae Variant Classification Sherloc (09022015). Collection method: clinical testing. Allele origin: germline.
Comment: This sequence change replaces glutamine, which is neutral and polar, with arginine, which is basic and polar, at codon 191 of the ATL1 protein (p.Gln191Arg). This variant is not present in population databases (gnomAD no frequency). This missense change has been observed in individuals with autosomal dominant hereditary spastic paraplegia (PMID: 17502470; Invitae). It has also been observed to segregate with disease in related individuals. ClinVar contains an entry for this variant (Variation ID: 576063). An algorithm developed to predict the effect of missense changes on protein structure and function (PolyPhen-2) suggests that this variant is likely to be disruptive. Experimental studies are conflicting or provide insufficient evidence to determine the effect of this variant on ATL1 function (PMID: 21220294). For these reasons, this variant has been classified as Pathogenic.

Literature cited by the submitters: PubMed 17502470; PubMed 21220294.

NM_015915.5(ATL1):c.572A>G (p.Gln191Arg)

Gene: ATL1 (atlastin GTPase 1; plus strand). Cytogenetic location: 14q22.1.
Variant type: single nucleotide variant.
Coding change: c.572A>G on transcript NM_015915.5 (MANE Select); coding-DNA position 572, A replaced by G.
Protein change: p.Gln191Arg; replaces glutamine 191 with arginine.
Molecular consequence: missense variant.
Genome position (GRCh38, 1-based): chr14:50,593,895, A>G. VCF-style: chr14-50593895-A-G. GRCh37 (hg19) VCF-style: chr14-51060613-A-G.
Other names: c.572A>G, p.Gln191Arg (NM_001127713.1, NM_181598.4); short protein forms Q191R.
Identifiers: ClinVar variation 576063 (VCV000576063.10), dbSNP rs1566725003, ClinGen allele CA389668280.